The following is an entry in ClinVar:

NM_000368.5(TSC1):c.98del (p.Leu33fs)

Gene: TSC1 (TSC complex subunit 1; minus strand). Cytogenetic location: 9q34.13.
Variant type: Deletion.
Coding change: c.98del on transcript NM_000368.5 (MANE Select); coding-DNA position 98, one base deleted (T; older notation c.98delT).
Protein change: p.Leu33fs; shifts the reading frame from leucine 33.
Molecular consequence: frameshift variant. On other transcripts: 5 prime UTR variant (16), non-coding transcript variant (5), intron variant (2).
Genome position (GRCh38, 1-based): chr9:132,928,775, A deleted on the plus strand (T on the coding strand, the reverse complement: TSC1 is on the minus strand). VCF-style (leftmost placement, unchanged base first): chr9-132928774-GA-G. GRCh37 (hg19) VCF-style: chr9-135804161-GA-G.
Other names: c.98del, p.Leu33fs (NM_001162426.2, NM_001162427.2, NM_001406592.1 and 21 more transcripts); c.-162del (NM_001362177.2, NM_001406617.1, NM_001406619.1 and 3 more transcripts); c.-254del (NM_001406614.1); c.-391del (NM_001406615.1, NM_001406623.1); c.-358del (NM_001406616.1, NM_001406624.1); c.-780del (NM_001406626.1, NM_001406627.1, NM_001406628.1); c.-922del (NM_001406629.1); c.-996del (NM_001406630.1); and 1 more; short protein forms L33fs.
Identifiers: ClinVar variation 3148639 (VCV003148639.1), dbSNP rs2539142428, ClinGen allele CA2825001619.
Genomic context (GRCh38, chr9:132,928,774, plus strand): 5'-AGTCAATCTCTTCTTTCTAGAAGATAAGCTAAAAAGGATATTATTTTGCTAACCAGAATT[GA>G]GGTTCTCTTTAAAGACAGCTGTCACGTCGTCCCGCACACCCAGCATGGGGGAGTCCAGCA-3'

ClinVar aggregate classification (germline): Pathogenic (1 of 4 stars; one submission).

Conditions:
Tuberous sclerosis 1 (TSC1). Identifiers: Orphanet 805, MedGen C1854465, MONDO:0008612, OMIM 191100.

Submission:

Myriad Genetics, Inc.
Classification: Pathogenic for Tuberous sclerosis 1. Last evaluated: 2024-02-21. Review status: criteria provided, single submitter. Criteria: Myriad Autosomal Dominant, Autosomal Recessive and X-Linked Classification Criteria (2023). Collection method: clinical testing. Allele origin: unknown.
Comment: This variant is considered pathogenic. This variant creates a frameshift predicted to result in premature protein truncation.